The following is an entry in ClinVar:

NM_001126108.2(SLC12A3):c.1232del (p.Pro411fs)

Gene: SLC12A3 (solute carrier family 12 member 3; plus strand). Cytogenetic location: 16q13.
Variant type: Deletion.
Coding change: c.1232del on transcript NM_001126108.2 (MANE Select); coding-DNA position 1232, one base deleted (C; older notation c.1232delC).
Protein change: p.Pro411fs; shifts the reading frame from proline 411.
Molecular consequence: frameshift variant.
Genome position (GRCh38, 1-based): chr16:56,879,124, C deleted; the last of 4 consecutive C bases (chr16:56,879,121-56,879,124); deleting any one gives the same sequence. VCF-style (leftmost placement, unchanged base first): chr16-56879120-AC-A. GRCh37 (hg19) VCF-style: chr16-56913032-AC-A.
Other names: c.1229del, p.Pro410fs (NM_001410896.1, NM_001126107.2); c.1232del, p.Pro411fs (NM_000339.3); short protein forms P411fs, P410fs.
Identifiers: ClinVar variation 2716575 (VCV002716575.3), dbSNP rs2543503008, ClinGen allele CA2697555859.

ClinVar aggregate classification (germline): Pathogenic (1 of 4 stars; one submission).

Submission:

Labcorp Genetics (formerly Invitae), Labcorp
Classification: Pathogenic. Last evaluated: 2023-06-23. Review status: criteria provided, single submitter. Criteria: Invitae Variant Classification Sherloc (09022015). Collection method: clinical testing. Allele origin: germline.
Comment: This variant has not been reported in the literature in individuals affected with SLC12A3-related conditions. For these reasons, this variant has been classified as Pathogenic. This variant is not present in population databases (gnomAD no frequency). This sequence change creates a premature translational stop signal (p.Pro411Leufs*37) in the SLC12A3 gene. It is expected to result in an absent or disrupted protein product. Loss-of-function variants in SLC12A3 are known to be pathogenic (PMID: 20848653, 22009145, 25841442).

Literature cited by the submitters: PubMed 20848653; PubMed 22009145; PubMed 25841442.